The following is an entry in ClinVar:

ClinVar aggregate classification (germline): Uncertain significance. Review status: criteria provided, multiple submitters, no conflicts (2 of 4 stars). 2 submissions from 2 submitters: Uncertain significance (2). Last evaluated 2025-08-10.

Conditions:
Microcephaly 5, primary, autosomal recessive (MCPH5). Also called: ASPM Primary Microcephaly. Identifiers: Orphanet 2512, MedGen C1837501, MONDO:0012106, OMIM 608716.
Inborn genetic diseases. Identifiers: MedGen C0950123, MeSH D030342.

gnomAD v4.1: 7 of 1,612,214 alleles (0.00043%); highest among the groups gnomAD compares: Middle Eastern, 0.033%; no homozygotes.

Submissions (2):

Ambry Genetics
Classification: Uncertain significance for Inborn genetic diseases. Last evaluated: 2025-08-10. Review status: criteria provided, single submitter. Criteria: Ambry Variant Classification Scheme 2023. Collection method: clinical testing. Allele origin: germline.

3billion
Classification: Uncertain significance for Microcephaly 5, primary, autosomal recessive. Last evaluated: 2024-02-01. Review status: criteria provided, single submitter. Criteria: ACMG Guidelines, 2015. Collection method: clinical testing. Allele origin: germline. Affected: yes.
Comment: The variant is observed at an extremely low frequency in the gnomAD v2.1.1 dataset (total allele frequency: 0.001%). Predicted Consequence/Location: The majority of the known disease-causing variants of this gene are variants expected to result in premature termination of the protein. In silico tool predictions suggest damaging effect of the variant on gene or gene product [REVEL: 0.89 (>=0.6, sensitivity 0.68 and specificity 0.92); 3Cnet: 0.09 (>=0.6, sensitivity 0.72 and precision 0.9)]. The variant has been reported to be in trans with a pathogenic variant as either compound heterozygous or homozygous in at least one similarly affected unrelated individual (3billion dataset). Therefore, this variant is classified as VUS according to the recommendation of ACMG/AMP guideline.

NM_018136.5(ASPM):c.7532A>C (p.Gln2511Pro)

Gene: ASPM (assembly factor for spindle microtubules; minus strand). Cytogenetic location: 1q31.3.
Variant type: single nucleotide variant.
Coding change: c.7532A>C on transcript NM_018136.5 (MANE Select); coding-DNA position 7532, A replaced by C.
Protein change: p.Gln2511Pro; replaces glutamine 2511 with proline.
Molecular consequence: missense variant. On other transcripts: intron variant (1).
Genome position (GRCh38, 1-based): chr1:197,101,719, T>G on the plus strand (A>C on the coding strand, the complement: ASPM is on the minus strand). VCF-style: chr1-197101719-T-G. GRCh37 (hg19) VCF-style: chr1-197070849-T-G.
Other names: c.4066-5555A>C (NM_001206846.2); c.7532A>C (NM_018136.4); short protein forms Q2511P.
Identifiers: ClinVar variation 3775377 (VCV003775377.2).
Genomic context (GRCh38, chr1:197,101,719, plus strand): 5'-CATTGTCTGATATAATTTTCTCTTTGTAATTTTGCAGCTCTATATGTTCGATAATGTTGC[T>G]GAATTAGAATTGAAGCATGTTTCCAAGTCTGAAATGTAATATATGTTCTGTACATCCTGA-3'
Protein context (NP_060606.3, residues 2501-2521): QTWKHASILI[Gln2511Pro]QHYRTYRAAK